The following is an entry in ClinVar:

ClinVar aggregate classification (germline): Uncertain significance. Review status: criteria provided, multiple submitters, no conflicts (2 of 4 stars). 3 submissions from 3 submitters: Uncertain significance (3). Last evaluated 2025-08-26.

Conditions:
Beck-Fahrner syndrome (BEFAHRS). Identifiers: Orphanet 684216, MedGen C5394097, MONDO:0032922, OMIM 618798.

Allele frequency attached by ClinVar (database versions not stated): TOPMed 0.00036; gnomAD exomes 0.00040; gnomAD 0.00047; 1000 Genomes Project 30x 0.00109; 1000 Genomes Project 0.00160.
gnomAD v4.1: 512 of 1,232,166 alleles (0.042%); highest among the groups gnomAD compares: Middle Eastern, 0.12%; 1 homozygote.

Submissions (3):

GeneDx
Classification: Uncertain significance. Last evaluated: 2025-08-26. Review status: criteria provided, single submitter. Criteria: GeneDx Variant Classification Process June 2021. Collection method: clinical testing. Allele origin: germline. Affected: yes.
Comment: Has not been previously published as pathogenic or benign to our knowledge; In silico analysis does not support a benign or deleterious effect of this variant on protein structure/function

Pittsburgh Clinical Genomics Laboratory, University of Pittsburgh Medical Center
Classification: Uncertain significance for Beck-Fahrner syndrome. Last evaluated: 2023-05-05. Review status: criteria provided, single submitter. Criteria: ACMG Guidelines, 2015. Collection method: clinical testing. Allele origin: germline. Inheritance: Autosomal unknown. Affected: yes.
Comment: This sequence variant is a single nucleotide substitution (G>A) at coding position 79 of the TET3 gene that results in a valine to isoleucine amino acid change at residue 27 of the TET3 protein. This is a previously reported variant (ClinVar) that has not been observed in the literature in individuals with TET3-related disorders, to our knowledge. This variant is present in the gnomAD population database (19 of 31392 alleles or 0.06%). Multiple bioinformatic tools predict that this variant would be tolerated; however, the Val27 residue is well conserved across the vertebrate species examined. Functiol studies testing the effect of this variant on protein structure or activity have not been performed, to our knowledge. At this time, there is insufficient evidence to determine if this variant is pathogenic or benign. Therefore, we consider this to be a variant of uncertain significance. ACMG Criteria:

Labcorp Genetics (formerly Invitae), Labcorp
Classification: Uncertain significance. Last evaluated: 2022-07-19. Review status: criteria provided, single submitter. Criteria: Invitae Variant Classification Sherloc (09022015). Collection method: clinical testing. Allele origin: germline.
Comment: In summary, the available evidence is currently insufficient to determine the role of this variant in disease. Therefore, it has been classified as a Variant of Uncertain Significance. Algorithms developed to predict the effect of missense changes on protein structure and function are either unavailable or do not agree on the potential impact of this missense change (SIFT: "Tolerated"; PolyPhen-2: "Not Available"; Align-GVGD: "Class C0"). ClinVar contains an entry for this variant (Variation ID: 1191281). This variant has not been reported in the literature in individuals affected with TET3-related conditions. This variant is present in population databases (rs142623499, gnomAD 0.4%). This sequence change replaces valine, which is neutral and non-polar, with isoleucine, which is neutral and non-polar, at codon 27 of the TET3 protein (p.Val27Ile).

NM_001287491.2(TET3):c.79G>A (p.Val27Ile)

Gene: TET3 (tet methylcytosine dioxygenase 3; plus strand). Cytogenetic location: 2p13.1.
Variant type: single nucleotide variant.
Coding change: c.79G>A on transcript NM_001287491.2 (MANE Select); coding-DNA position 79, G replaced by A.
Protein change: p.Val27Ile; replaces valine 27 with isoleucine.
Molecular consequence: missense variant.
Genome position (GRCh38, 1-based): chr2:73,986,482, G>A. VCF-style: chr2-73986482-G-A. GRCh37 (hg19) VCF-style: chr2-74213609-G-A.
Other names: short protein forms V27I.
Identifiers: ClinVar variation 1191281 (VCV001191281.9), dbSNP rs142623499, ClinGen allele CA50414918.